The following is an entry in ClinVar:

NM_001033046.4(CYBC1):c.145C>T (p.Leu49Phe)

Gene: CYBC1 (cytochrome b-245 chaperone 1; minus strand). Cytogenetic location: 17q25.3.
Variant type: single nucleotide variant.
Coding change: c.145C>T on transcript NM_001033046.4 (MANE Select); coding-DNA position 145, C replaced by T.
Protein change: p.Leu49Phe; replaces leucine 49 with phenylalanine.
Molecular consequence: missense variant. On other transcripts: non-coding transcript variant (2).
Genome position (GRCh38, 1-based): chr17:82,446,679, G>A on the plus strand (C>T on the coding strand, the complement: CYBC1 is on the minus strand). VCF-style: chr17-82446679-G-A. GRCh37 (hg19) VCF-style: chr17-80404555-G-A.
Other names: p.Leu49Phe; c.145C>T, p.Leu49Phe (NM_001193653.2, NM_001193654.2, NM_001193655.2 and 2 more transcripts); c.103C>T, p.Leu35Phe (NM_001100408.3); short protein forms L35F, L49F.
Identifiers: ClinVar variation 1169923 (VCV001169923.12), dbSNP rs72857481, ClinGen allele CA8858342.
Genomic context (GRCh38, chr17:82,446,679, plus strand): 5'-TTACCTCCCAGTCCTCCAAGTTCTGCACAGCCACAAACAGGCAGCCTGTGACGTAGAAGA[G>A]CTTCCAGCCCAGGCTATCTGGAGATGGGCATAGGGCGCCAGCCTGTGAGCTCCAGGGACA-3'
Protein context (NP_001028218.1, residues 39-59): YYSGDSLGWK[Leu49Phe]FYVTGCLFVA

ClinVar aggregate classification (germline): Benign/Likely benign. Review status: criteria provided, multiple submitters, no conflicts (2 of 4 stars). 4 submissions from 4 submitters: Benign (3); Likely benign (1). Last evaluated 2026-04-06.

Allele frequency attached by ClinVar (database versions not stated): ExAC 0.01276; gnomAD exomes 0.01292; ESP Exome Variant Server 0.01384; 1000 Genomes Project 30x 0.00656; 1000 Genomes Project 0.00679.
gnomAD v4.1: 24,501 of 1,614,058 alleles (1.5%); highest among the groups gnomAD compares: Middle Eastern, 1.7%; 224 homozygotes.

Submissions (4):

Women's Health and Genetics/Laboratory Corporation of America, LabCorp
Classification: Likely benign. Last evaluated: 2026-04-06. Review status: criteria provided, single submitter. Criteria: LabCorp Variant Classification Summary - May 2015. Collection method: clinical testing. Allele origin: germline.

Labcorp Genetics (formerly Invitae), Labcorp
Classification: Benign. Last evaluated: 2026-02-02. Review status: criteria provided, single submitter. Criteria: Invitae Variant Classification Sherloc (09022015). Collection method: clinical testing. Allele origin: germline.

Mayo Clinic Laboratories, Mayo Clinic
Classification: Benign. Last evaluated: 2024-05-10. Review status: criteria provided, single submitter. Criteria: ACMG Guidelines, 2015. Collection method: clinical testing. Allele origin: germline. Observed: 7 variant alleles.
Comment: BS1, BS2, BP4

Breakthrough Genomics
Classification: Benign. Review status: criteria provided, single submitter. Criteria: ACMG Guidelines, 2015. Collection method: not provided. Allele origin: germline. Inheritance: Autosomal recessive inheritance. Affected: yes.